The following is an entry in ClinVar:

NM_007186.6(CEP250):c.1175G>T (p.Arg392Leu)

Genes: CEP250 (centrosomal protein 250; plus strand), CEP250-AS1 (CEP250 antisense RNA 1; minus strand). Cytogenetic location: 20q11.22.
Variant type: single nucleotide variant.
Coding change: c.1175G>T on transcript NM_007186.6 (MANE Select); coding-DNA position 1175, G replaced by T.
Protein change: p.Arg392Leu; replaces arginine 392 with leucine.
Molecular consequence: missense variant. On other transcripts: 5 prime UTR variant (1).
Genome position (GRCh38, 1-based): chr20:35,472,797, G>T. VCF-style: chr20-35472797-G-T. GRCh37 (hg19) VCF-style: chr20-34060622-G-T.
Other names: c.-725G>T (NM_001318219.1); short protein forms R392L.
Identifiers: ClinVar variation 1385797 (VCV001385797.8), dbSNP rs200471436, ClinGen allele CA408759695.
Genomic context (GRCh38, chr20:35,472,797, plus strand): 5'-ACTCTAGTATCTTCTCCCAGTTTGATTACCAGGATGCAGACAAGGCTCTTACTCTGGTGC[G>T]TTCAGTGCTGACTCGGAGACGCCAGGCTGTGCAGGTAGGAACCCTCAGCATTCCACCTCA-3'
Protein context (NP_009117.2, residues 382-402): QDADKALTLV[Arg392Leu]SVLTRRRQAV

ClinVar aggregate classification (germline): Uncertain significance (1 of 4 stars; one submission).

gnomAD v4.1: 26 of 1,614,026 alleles (0.0016%); highest among the groups gnomAD compares: Admixed American, 0.0033%; no homozygotes.

Submission:

Labcorp Genetics (formerly Invitae), Labcorp
Classification: Uncertain significance. Last evaluated: 2025-01-13. Review status: criteria provided, single submitter. Criteria: Invitae Variant Classification Sherloc (09022015). Collection method: clinical testing. Allele origin: germline.
Comment: This sequence change replaces arginine, which is basic and polar, with leucine, which is neutral and non-polar, at codon 392 of the CEP250 protein (p.Arg392Leu). This variant is present in population databases (no rsID available, gnomAD 0.006%). This variant has not been reported in the literature in individuals affected with CEP250-related conditions. ClinVar contains an entry for this variant (Variation ID: 1385797). An algorithm developed to predict the effect of missense changes on protein structure and function (PolyPhen-2) suggests that this variant is likely to be tolerated. In summary, the available evidence is currently insufficient to determine the role of this variant in disease. Therefore, it has been classified as a Variant of Uncertain Significance.